The following is an entry in ClinVar:

NM_001101362.3(KBTBD13):c.229G>T (p.Glu77Ter)

Gene: KBTBD13 (kelch repeat and BTB domain containing 13; plus strand). Cytogenetic location: 15q22.31.
Variant type: single nucleotide variant.
Coding change: c.229G>T on transcript NM_001101362.3 (MANE Select); coding-DNA position 229, G replaced by T.
Protein change: p.Glu77Ter; replaces glutamic acid 77 with a stop codon.
Molecular consequence: nonsense.
Genome position (GRCh38, 1-based): chr15:65,077,044, G>T. VCF-style: chr15-65077044-G-T. GRCh37 (hg19) VCF-style: chr15-65369382-G-T.
Other names: short protein forms E77*.
Identifiers: ClinVar variation 3668468 (VCV003668468.2).

ClinVar aggregate classification (germline): Uncertain significance (1 of 4 stars; one submission).

Conditions:
Nemaline myopathy 6 (NEM6). Also called: Nemaline myopathy 6, autosomal dominant. Identifiers: Orphanet 171439, MedGen C1836472, MONDO:0012237, OMIM 609273.

Submission:

Labcorp Genetics (formerly Invitae), Labcorp
Classification: Uncertain significance for Nemaline myopathy 6. Last evaluated: 2024-04-14. Review status: criteria provided, single submitter. Criteria: Invitae Variant Classification Sherloc (09022015). Collection method: clinical testing. Allele origin: germline.
Comment: This sequence change creates a premature translational stop signal (p.Glu77*) in the KBTBD13 gene. While this is not anticipated to result in nonsense mediated decay, it is expected to disrupt the last 382 amino acid(s) of the KBTBD13 protein. The frequency data for this variant in the population databases is considered unreliable, as metrics indicate poor data quality at this position in the gnomAD database. This variant has not been reported in the literature in individuals affected with KBTBD13-related conditions. Experimental studies and prediction algorithms are not available or were not evaluated, and the functional significance of this variant is currently unknown. In summary, the available evidence is currently insufficient to determine the role of this variant in disease. Therefore, it has been classified as a Variant of Uncertain Significance.